The following is an entry in ClinVar:

ClinVar aggregate classification (germline): Uncertain significance. Review status: criteria provided, multiple submitters, no conflicts (2 of 4 stars). 2 submissions from 2 submitters: Uncertain significance (2). Last evaluated 2026-07-07.

Conditions:
Hereditary cancer-predisposing syndrome. Also called: Hereditary Cancer Syndrome; Neoplastic Syndromes, Hereditary; Hereditary neoplastic syndrome; Tumor predisposition. Identifiers: Orphanet 140162, MedGen C0027672, MeSH D009386, MONDO:0015356.
Familial cancer of breast. Also called: hereditary breast carcinoma; Hereditary breast cancer; BREAST CANCER, FAMILIAL. Identifiers: Orphanet 227535, MedGen C0346153, MONDO:0016419, OMIM 114480. Disease mechanism: loss of function.

Submissions (2):

Ambry Genetics
Classification: Uncertain significance for Hereditary cancer-predisposing syndrome. Last evaluated: 2026-07-07. Review status: criteria provided, single submitter. Criteria: Ambry Variant Classification Scheme 2023. Collection method: clinical testing. Allele origin: germline.
Comment: The p.R642I variant (also known as c.1925G>T), located in coding exon 10 of the BARD1 gene, results from a G to T substitution at nucleotide position 1925. The arginine at codon 642 is replaced by isoleucine, an amino acid with similar properties. This amino acid position is conserved. In addition, this alteration is predicted to be tolerated by in silico analysis. Based on the available evidence, the clinical significance of this variant remains unclear.

Labcorp Genetics (formerly Invitae), Labcorp
Classification: Uncertain significance for Familial cancer of breast. Last evaluated: 2022-09-14. Review status: criteria provided, single submitter. Criteria: Invitae Variant Classification Sherloc (09022015). Collection method: clinical testing. Allele origin: germline.
Comment: This sequence change replaces arginine, which is basic and polar, with isoleucine, which is neutral and non-polar, at codon 642 of the BARD1 protein (p.Arg642Ile). This variant is not present in population databases (gnomAD no frequency). This variant has not been reported in the literature in individuals affected with BARD1-related conditions. ClinVar contains an entry for this variant (Variation ID: 1362228). Algorithms developed to predict the effect of missense changes on protein structure and function (SIFT, PolyPhen-2, Align-GVGD) all suggest that this variant is likely to be tolerated. In summary, the available evidence is currently insufficient to determine the role of this variant in disease. Therefore, it has been classified as a Variant of Uncertain Significance.

NM_000465.4(BARD1):c.1925G>T (p.Arg642Ile)

Gene: BARD1 (BRCA1 associated RING domain 1; minus strand). Cytogenetic location: 2q35.
Variant type: single nucleotide variant.
Coding change: c.1925G>T on transcript NM_000465.4 (MANE Select); coding-DNA position 1925, G replaced by T.
Protein change: p.Arg642Ile; replaces arginine 642 with isoleucine.
Molecular consequence: missense variant. On other transcripts: non-coding transcript variant (3).
Genome position (GRCh38, 1-based): chr2:214,730,487, C>A on the plus strand (G>T on the coding strand, the complement: BARD1 is on the minus strand). VCF-style: chr2-214730487-C-A. GRCh37 (hg19) VCF-style: chr2-215595211-C-A.
Other names: c.572G>T, p.Arg191Ile (NM_001282545.2); c.515G>T, p.Arg172Ile (NM_001282548.2); c.386G>T, p.Arg129Ile (NM_001282549.2); c.1868G>T, p.Arg623Ile (NM_001282543.2); c.1925G>T (NM_000465.2); short protein forms R172I, R191I, R642I, R129I, R623I.
Identifiers: ClinVar variation 1362228 (VCV001362228.10), dbSNP rs1420797541, ClinGen allele CA350451272.